The following continues an entry in ClinVar:

NM_206933.4(USH2A):c.2802T>G (p.Cys934Trp)

ClinVar aggregate classification (germline): Pathogenic/Likely pathogenic. Pathogenic (19); Likely pathogenic (5).

Submissions 14 to 31 of 31:

Women's Health and Genetics/Laboratory Corporation of America, LabCorp
Classification: Pathogenic for Usher syndrome. Last evaluated: 2022-11-21. Review status: criteria provided, single submitter. Criteria: LabCorp Variant Classification Summary - May 2015. Collection method: clinical testing. Allele origin: germline.
Comment: Variant summary: USH2A c.2802T>G (p.Cys934Trp) results in a non-conservative amino acid change located in the Laminin-type EGF domain (IPR002049) of the encoded protein sequence. Five of five in-silico tools predict a damaging effect of the variant on protein function. The variant allele was found at a frequency of 0.00021 in 251078 control chromosomes (gnomAD). This frequency is not significantly higher than expected for a pathogenic variant in USH2A causing Usher Syndrome (0.00021 vs 0.011), allowing no conclusion about variant significance. c.2802T>G has been reported in the literature as a biallelic genotype in multiple individuals affected with retinitis pigmentosa and Usher syndrome (e.g. Oishi_2014, Zheng_2015, Koyanagi_2019). These data indicate that the variant is very likely to be associated with disease. To our knowledge, no experimental evidence demonstrating an impact on protein function has been reported. Fifteen ClinVar submitters have assessed the variant since 2014: three classified the variant as uncertain significance, five classified the variant as likely pathogenic, and seven classified the variant as pathogenic. Based on the evidence outlined above, the variant was classified as pathogenic.

Pangenia Genomics, Pangenia Inc.
Classification: Pathogenic for Retinitis pigmentosa 39. Last evaluated: 2021-11-18. Review status: criteria provided, single submitter. Criteria: ACMG Guidelines, 2015. Collection method: research. Allele origin: unknown. Inheritance: Autosomal recessive inheritance. Affected: yes and no. Observed: 1 heterozygote, 1 compound heterozygote.
Comment: The USH2A, c.2802T>G (p.Cys934Trp) variant is at extremely low frequency in population database; allele frequency in East Asia population is 0. 0025 by gnomAD v2.1.1. This variant is detected in trans with a pathogenic variant [USH2A, c.9570+1G>A] . This variant has been previously reported to be detected in numerous patients affected by retinitis pigmentosa or Usher syndrome as homozygote [PMID: 26338283], or in combination with another null variant in USH2A gene [PMID: 24938718, 25649381, 30948794, 33105608, 26338283], including frameshift and canonical splice sites variants (c.8368delT, c.8730dupT, c.9570+1G>A, c.99_100insT, c.5858-1G>A, c.5158delC, c.11811_11812delCT, c.12409delA, c.710delT). In at least 3 patients, the other null variant was confirmed to be in trans with this variant [PMID: 24938718, 30948794]. Multiple lines of computational evidence support a deleterious effect on the gene or gene product, REVEL = 0.849. This variant has been reported to co-segregate with retinitis pigmentosa or Usher syndrome in several families [PMID: 24938718, 26310143, 21686329].There are multiple submissions of this variant in ClinVar (Variation ID: 143179).

Genome-Nilou Lab
Classification: Likely pathogenic for Usher syndrome type 2A. Last evaluated: 2021-07-22. Review status: criteria provided, single submitter. Criteria: ACMG Guidelines, 2015. Collection method: clinical testing. Allele origin: germline. Affected: no.

Victorian Clinical Genetics Services, Murdoch Childrens Research Institute
Classification: Pathogenic for Usher syndrome type 2A. Last evaluated: 2021-05-06. Review status: criteria provided, single submitter. Criteria: ACMG Guidelines, 2015. Collection method: clinical testing. Allele origin: germline. Inheritance: Autosomal recessive inheritance.
Comment: Based on the classification scheme VCGS_Germline_v1.3.4, this variant is classified as Pathogenic. Following criteria are met: 0102 - Loss of function is a known mechanism of disease in this gene and is associated with retinitis pigmentosa 39 (MIM#6138093) and type 2A Usher syndrome (MIM#276901). (I) 0106 - This gene is associated with autosomal recessive disease. (I) 0200 - Variant is predicted to result in a missense amino acid change from cysteine to tryptophan. (I) 0251 - This variant is heterozygous. (I) 0304 - Variant is present in gnomAD <0.01 for a recessive condition (v2: 57 heterozygotes, 0 homozygotes). (SP) 0309 - An alternative amino acid change at the same position has been observed in gnomAD (v2: 2 heterozygotes, 0 homozygotes). (I) 0501 - Missense variant consistently predicted to be damaging by multiple in silico tools or highly conserved with a major amino acid change. (SP) 0600 - Variant is located in the annotated laminin EGF domain (Decipher). (I) 0801 - This variant has strong previous evidence of pathogenicity in multiple unrelated individuals with retinitis pigmentosa and Usher syndrome (ClinVar, PMID: 32893482). (SP) 1208 - Inheritance information for this variant is not currently available in this individual. (I) Legend: (SP) - Supporting pathogenic, (I) - Information, (SB) - Supporting benign

Myriad Genetics, Inc.
Classification: Likely pathogenic for Usher syndrome type 2A. Last evaluated: 2019-12-20. Review status: criteria provided, single submitter. Criteria: Myriad Women's Health Autosomal Recessive and X-Linked Classification Criteria (2019). Collection method: clinical testing. Allele origin: unknown.
Comment: NM_206933.2(USH2A):c.2802T>G(C934W) is classified as likely pathogenic in the context of USH2A-related disorders. Sources cited for classification include the following: PMID 24938718, 25324289, 26310143, 27460420 and 26338283. Classification of NM_206933.2(USH2A):c.2802T>G(C934W) is based on the following criteria: This variant has been observed more frequently in patients with clinical diagnoses than in healthy populations. Please note: this variant was assessed in the context of healthy population screening.

Mendelics
Classification: Pathogenic for Usher syndrome type 2A. Last evaluated: 2019-05-28. Review status: criteria provided, single submitter. Criteria: Mendelics Assertion Criteria 2017. Collection method: clinical testing. Allele origin: unknown.

CeGaT Center for Human Genetics Tuebingen
Classification: Pathogenic. Last evaluated: 2017-12-01. Review status: criteria provided, single submitter. Criteria: CeGaT Center For Human Genetics Tuebingen Variant Classification Criteria Version 2. Collection method: clinical testing. Allele origin: germline. Affected: yes. Observed: 1 variant allele.

Eurofins Ntd Llc (ga)
Classification: Pathogenic. Last evaluated: 2017-01-19. Review status: criteria provided, single submitter. Criteria: EGL Classification Definitions 2015. Collection method: clinical testing. Allele origin: germline. Observed: 1 variant allele, 1 heterozygote.

Institute of Human Genetics, Univ. Regensburg, Univ. Regensburg
Classification: Likely pathogenic for Retinal dystrophy. Last evaluated: 2017-01-01. Review status: criteria provided, single submitter. Criteria: ACMG Guidelines, 2015. Collection method: clinical testing. Allele origin: germline. Affected: yes.

Baylor Genetics
Classification: Pathogenic for Usher syndrome type 2A. Review status: criteria provided, single submitter. Criteria: ACMG Guidelines, 2015. Collection method: clinical testing. Allele origin: germline.

Juno Genomics, Hangzhou Juno Genomics, Inc
Classification: Pathogenic for Retinitis pigmentosa 39; Usher syndrome type 2A. Review status: criteria provided, single submitter. Criteria: ACMG Guidelines, 2015. Collection method: clinical testing. Allele origin: germline. Affected: yes.
Comment: Allele frequency is greater than expected for disorder.;For recessive disorders, detected in trans with a pathogenic variant.;Patient's phenotype or family history is highly specific for a disease with a single genetic etiology.;Co-segregation with disease in multiple affected family members in a gene definitively known to cause the disease.;Multiple lines of computational evidence support a deleterious effect on the gene or gene product (conservation, evolutionary, splicing impact, etc).

OMIM
Classification: Pathogenic for RETINITIS PIGMENTOSA 39. Last evaluated: 2023-04-17. Review status: no assertion criteria provided. Collection method: literature only. Allele origin: germline. Not counted in ClinVar's aggregate classification.

Sharon lab, Hadassah-Hebrew University Medical Center
Classification: Likely pathogenic for Usher syndrome type 2. Last evaluated: 2019-06-23. Review status: no assertion criteria provided. Collection method: research. Allele origin: inherited. Affected: yes. Not counted in ClinVar's aggregate classification.

Counsyl
Classification: Likely pathogenic for Retinitis pigmentosa 39. Last evaluated: 2017-01-13. Review status: no assertion criteria provided. Collection method: clinical testing. Allele origin: unknown. Not counted in ClinVar's aggregate classification.

Department of Ophthalmology and Visual Sciences Kyoto University
Classification: Pathogenic for Retinitis pigmentosa. Review status: no assertion criteria provided. Collection method: not provided. Allele origin: unknown. Not counted in ClinVar's aggregate classification.
ClinVar note: Converted during submission from pathogenic to Pathogenic.

Genome-Nilou Lab
Classification: Uncertain significance for Retinitis pigmentosa 39. Last evaluated: 2021-07-22. Review status: flagged submission. Criteria: ACMG Guidelines, 2015. Collection method: clinical testing. Allele origin: germline. Affected: no. Not counted in ClinVar's aggregate classification.
ClinVar note: Reason: Outlier claim with insufficient supporting evidence

NIHR Bioresource Rare Diseases, University of Cambridge
Classification: Uncertain significance for Retinitis pigmentosa. Last evaluated: 2015-01-01. Review status: flagged submission. Collection method: research. Allele origin: unknown. Affected: yes. Observed: 2 variant alleles. Not counted in ClinVar's aggregate classification.
ClinVar note: Reason: Older and outlier claim with insufficient supporting evidence

Neuberg Centre For Genomic Medicine, NCGM
Classification: Uncertain significance for Usher syndrome type 2A. Review status: flagged submission. Criteria: ACMG Guidelines, 2015. Collection method: clinical testing. Allele origin: germline. Inheritance: Autosomal recessive inheritance. Affected: yes. Not counted in ClinVar's aggregate classification.
Comment: The missense variant p.C934W in USH2A (NM_206933.4) has not been reported previously as a pathogenic variant nor as a benign variant, to our knowledge. The p.C934W variant is observed in 46/18,376 (0.2503%) alleles from individuals of East Asian background in gnomAD Exomes and in 4/1,008 (0.3968%) alleles from individuals of East Asian background in 1000 Genomes. This variant was found in ClinVar (Variant 143179) with a classification of Conflicting Interpretations Of Pathogenicity and a review status of (1 star) criteria provided, conflicting interpretations. There is a large physicochemical difference between cysteine and tryptophan, which is likely to impact secondary protein structure as these residues differ in polarity, charge, size and/or other properties. For these reasons, this variant has been classified as Uncertain Significance.
ClinVar note: Reason: Outlier claim with insufficient supporting evidence

Literature cited by the submitters: PubMed 26310143 (cited by 6 submitters); PubMed 27460420 (cited by 4 submitters); PubMed 26338283 (cited by 6 submitters).